The following is an entry in ClinVar:

NM_152308.3(RMI2):c.17A>C (p.Asp6Ala)

Gene: RMI2 (RecQ mediated genome instability 2; plus strand). Cytogenetic location: 16p13.13.
Variant type: single nucleotide variant.
Coding change: c.17A>C on transcript NM_152308.3 (MANE Select); coding-DNA position 17, A replaced by C.
Protein change: p.Asp6Ala; replaces aspartic acid 6 with alanine.
Molecular consequence: missense variant. On other transcripts: non-coding transcript variant (1).
Genome position (GRCh38, 1-based): chr16:11,345,488, A>C. VCF-style: chr16-11345488-A-C. GRCh37 (hg19) VCF-style: chr16-11439345-A-C.
Other names: short protein forms D6A.
Identifiers: ClinVar variation 2646217 (VCV002646217.24), dbSNP rs1036532522, ClinGen allele CA394749362.

ClinVar aggregate classification (germline): Uncertain significance (1 of 4 stars; one submission).

Submission:

CeGaT Center for Human Genetics Tuebingen
Classification: Uncertain significance. Last evaluated: 2023-01-01. Review status: criteria provided, single submitter. Criteria: CeGaT Center For Human Genetics Tuebingen Variant Classification Criteria Version 2. Collection method: clinical testing. Allele origin: germline. Affected: yes. Observed: 1 variant allele.
Comment: RMI2: PM2